The following is an entry in ClinVar:

NM_001814.6(CTSC):c.268C>T (p.Gln90Ter)

Gene: CTSC (cathepsin C; minus strand). Cytogenetic location: 11q14.2.
Variant type: single nucleotide variant.
Coding change: c.268C>T on transcript NM_001814.6 (MANE Select); coding-DNA position 268, C replaced by T.
Protein change: p.Gln90Ter; replaces glutamine 90 with a stop codon.
Molecular consequence: nonsense.
Genome position (GRCh38, 1-based): chr11:88,334,987, G>A on the plus strand (C>T on the coding strand, the complement: CTSC is on the minus strand). VCF-style: chr11-88334987-G-A. GRCh37 (hg19) VCF-style: chr11-88068155-G-A.
Other names: c.268C>T, p.Gln90Ter (NM_001114173.3, NM_148170.5); short protein forms Q90*.
Identifiers: ClinVar variation 1424145 (VCV001424145.5), dbSNP rs1408095438, ClinGen allele CA382029808.

ClinVar aggregate classification (germline): Pathogenic (1 of 4 stars; one submission).

Conditions:
Papillon-Lefèvre syndrome (PALS). Also called: KERATOSIS PALMOPLANTARIS WITH PERIODONTOPATHIA; Papillon-Lefevre Disease. Identifiers: Orphanet 678, MedGen C0030360, MONDO:0009490, OMIM 245000.
Periodontitis, aggressive. Identifiers: MedGen C0031106, MONDO:0980757.
Haim-Munk syndrome (HMS). Also called: COCHIN JEWISH DISORDER; KERATOSIS PALMOPLANTARIS WITH PERIODONTOPATHIA AND ONYCHOGRYPOSIS. Identifiers: Orphanet 2342, MedGen C1855627, MONDO:0009491, OMIM 245010.

Allele frequency attached by ClinVar (database versions not stated): TOPMed 0.00001.

Submission:

Labcorp Genetics (formerly Invitae), Labcorp
Classification: Pathogenic for Haim-Munk syndrome; Periodontitis, aggressive; Papillon-Lefèvre syndrome. Last evaluated: 2022-11-22. Review status: criteria provided, single submitter. Criteria: Invitae Variant Classification Sherloc (09022015). Collection method: clinical testing. Allele origin: germline.
Comment: For these reasons, this variant has been classified as Pathogenic. ClinVar contains an entry for this variant (Variation ID: 1424145). This variant has not been reported in the literature in individuals affected with CTSC-related conditions. This variant is not present in population databases (gnomAD no frequency). This sequence change creates a premature translational stop signal (p.Gln90*) in the CTSC gene. It is expected to result in an absent or disrupted protein product. Loss-of-function variants in CTSC are known to be pathogenic (PMID: 10662808, 11106356, 11886537).

Literature cited by the submitters: PubMed 10662808; PubMed 11106356; PubMed 11886537.